The following is an entry in ClinVar:

NM_001322934.2(NFKB2):c.841G>A (p.Val281Met)

Gene: NFKB2 (nuclear factor kappa B subunit 2; plus strand). Cytogenetic location: 10q24.32.
Variant type: single nucleotide variant.
Coding change: c.841G>A on transcript NM_001322934.2 (MANE Select); coding-DNA position 841, G replaced by A.
Protein change: p.Val281Met; replaces valine 281 with methionine.
Molecular consequence: missense variant.
Genome position (GRCh38, 1-based): chr10:102,398,286, G>A. VCF-style: chr10-102398286-G-A. GRCh37 (hg19) VCF-style: chr10-104158043-G-A.
Other names: c.841G>A, p.Val281Met (NM_001077494.3, NM_001261403.3, NM_001288724.1 and 2 more transcripts); short protein forms V281M.
Identifiers: ClinVar variation 4730144 (VCV004730144.1).

ClinVar aggregate classification (germline): Uncertain significance (1 of 4 stars; one submission).

Conditions:
Immunodeficiency, common variable, 10. Also called: IMMUNODEFICIENCY, COMMON VARIABLE, WITH CENTRAL ADRENAL INSUFFICIENCY; DEFICIT IN ANTERIOR PITUITARY FUNCTION AND VARIABLE IMMUNODEFICIENCY. Identifiers: MedGen C3809991, MONDO:0014260, OMIM 615577.

Submission:

Labcorp Genetics (formerly Invitae), Labcorp
Classification: Uncertain significance for Immunodeficiency, common variable, 10. Last evaluated: 2025-11-03. Review status: criteria provided, single submitter. Criteria: Invitae Variant Classification Sherloc (09022015). Collection method: clinical testing. Allele origin: germline.
Comment: This sequence change replaces valine, which is neutral and non-polar, with methionine, which is neutral and non-polar, at codon 281 of the NFKB2 protein (p.Val281Met). This variant is not present in population databases (gnomAD no frequency). This variant has not been reported in the literature in individuals affected with NFKB2-related conditions. An algorithm developed to predict the effect of missense changes on protein structure and function (PolyPhen-2) suggests that this variant is likely to be disruptive. In summary, the available evidence is currently insufficient to determine the role of this variant in disease. Therefore, it has been classified as a Variant of Uncertain Significance.